The following is an entry in ClinVar:

NM_003072.5(SMARCA4):c.4622T>G (p.Leu1541Arg)

Gene: SMARCA4 (SWI/SNF related BAF chromatin remodeling complex subunit ATPase 4; plus strand). Cytogenetic location: 19p13.2.
Variant type: single nucleotide variant.
Coding change: c.4622T>G on transcript NM_003072.5 (MANE Select); coding-DNA position 4622, T replaced by G.
Protein change: p.Leu1541Arg; replaces leucine 1541 with arginine.
Molecular consequence: missense variant. On other transcripts: non-coding transcript variant (1).
Genome position (GRCh38, 1-based): chr19:11,058,876, T>G. VCF-style: chr19-11058876-T-G. GRCh37 (hg19) VCF-style: chr19-11169552-T-G.
Other names: c.4622T>G, p.Leu1541Arg (NM_001128844.3); c.4532T>G, p.Leu1511Arg (NM_001128845.2); c.4529T>G, p.Leu1510Arg (NM_001128846.2); c.4523T>G, p.Leu1508Arg (NM_001128847.4, NM_001374457.1); c.4520T>G, p.Leu1507Arg (NM_001128848.2); c.4718T>G, p.Leu1573Arg (NM_001128849.3, NM_001387283.1); c.4619T>G, p.Leu1540Arg (NM_001411150.1); short protein forms L1510R, L1511R, L1573R, L1508R, L1507R, L1541R, L1540R.
Identifiers: ClinVar variation 1742626 (VCV001742626.2), dbSNP rs2515781397, ClinGen allele CA404079042.

ClinVar aggregate classification (germline): Uncertain significance (1 of 4 stars; one submission).

Conditions:
Hereditary cancer-predisposing syndrome. Also called: Hereditary Cancer Syndrome; Hereditary neoplastic syndrome; Neoplastic Syndromes, Hereditary; Tumor predisposition. Identifiers: Orphanet 140162, MedGen C0027672, MeSH D009386, MONDO:0015356.

Submission:

Ambry Genetics
Classification: Uncertain significance for Hereditary cancer-predisposing syndrome. Last evaluated: 2021-12-28. Review status: criteria provided, single submitter. Criteria: Ambry Variant Classification Scheme 2023. Collection method: clinical testing. Allele origin: germline.
Comment: The p.L1573R variant (also known as c.4718T>G), located in coding exon 32 of the SMARCA4 gene, results from a T to G substitution at nucleotide position 4718. The leucine at codon 1573 is replaced by arginine, an amino acid with dissimilar properties. This amino acid position is highly conserved in available vertebrate species. In addition, the in silico prediction for this alteration is inconclusive. Missense and in-frame variants in SMARCA4 are known to cause neurodevelopmental disorders; however, such associations with rhabdoid tumor predisposition syndrome including small cell carcinoma of the ovary-hypercalcemic type (SCCOHT) are exceedingly rare (Kosho T et al. Am J Med Genet C Semin Med Genet. 2014 Sep;166C(3):262-75; Jelinic P et al. Nat Genet. 2014 May;46(5):424-6). Based on the supporting evidence, the association of this alteration with Coffin-Siris syndrome is unknown; however, the association of this alteration with rhabdoid tumor predisposition syndrome is unlikely.